The following is an entry in ClinVar:

ClinVar aggregate classification (germline): Uncertain significance (1 of 4 stars; one submission).

Conditions:
Thrombophilia due to protein S deficiency, autosomal recessive (THPH6). Identifiers: Orphanet 743, MedGen C3281092, MONDO:0013791, OMIM 614514. Disease mechanism: loss of function.

Submission:

Neuberg Centre For Genomic Medicine, NCGM
Classification: Uncertain significance for Thrombophilia due to protein S deficiency, autosomal recessive. Last evaluated: 2023-05-20. Review status: criteria provided, single submitter. Criteria: ACMG Guidelines, 2015. Collection method: clinical testing. Allele origin: germline. Inheritance: Autosomal recessive inheritance. Affected: yes.
Comment: The splice region, synonymous c.1644G>A (p.Gln548) variant in the PROS1 gene has not been reported previously as a pathogenic variant nor as a benign variant, to our knowledge. This variant is absent in the gnomAD Exomes. This p.Gln548 type of mutation causes no change in the protein that is produced, which is why it's considered as synonymous mutation The splice AI tool predicts the variant to be Likely Damaging. However additional functional studies will be required to prove the pathogenicity. For these reasons, this variant has been classified as Uncertain Significance.

NM_000313.4(PROS1):c.1644G>A (p.Gln548=)

Gene: PROS1 (protein S; minus strand). Cytogenetic location: 3q11.1.
Variant type: single nucleotide variant.
Coding change: c.1644G>A on transcript NM_000313.4 (MANE Select); coding-DNA position 1644, G replaced by A.
Protein change: p.Gln548=; no amino-acid change (glutamine 548 retained).
Molecular consequence: synonymous variant.
Genome position (GRCh38, 1-based): chr3:93,879,163, C>T on the plus strand (G>A on the coding strand, the complement: PROS1 is on the minus strand). VCF-style: chr3-93879163-C-T. GRCh37 (hg19) VCF-style: chr3-93598007-C-T.
Other names: c.1740G>A, p.Gln580= (NM_001314077.2).
Identifiers: ClinVar variation 3362258 (VCV003362258.3).
Genomic context (GRCh38, chr3:93,879,163, plus strand): 5'-GTATACATTTTAAAAAATGAAAAGAAAAACAAGGCTTATATAGGTTTAGAGTTAAGTTAC[C>T]TGTGATTTTTCAGAGGTGGAGTCCACCAAGGACACAGCAAAGGGCACTGTGTTGTTACCA-3'
Protein context (NP_000304.2, residues 538-558): SLVDSTSEKS[Gln548=]DILLSVENTV